The following is an entry in ClinVar:

ClinVar aggregate classification (germline): Pathogenic/Likely pathogenic. Review status: criteria provided, multiple submitters, no conflicts (2 of 4 stars). 7 submissions from 7 submitters: Pathogenic (4); Likely pathogenic (3). Last evaluated 2026-03-30.

Conditions:
Congenital lipoid adrenal hyperplasia due to STAR deficency. Also called: Congenital Lipoid Adrenal Hyperplasia; Cholesterol monooxygenase (side-chain cleaving) deficiency; Lipoid adrenal hyperplasia; ADRENAL HYPERPLASIA I. Identifiers: Orphanet 418, Orphanet 90790, MedGen C0342474, MONDO:0008725, OMIM 201710.
STAR-related disorder. Also called: STAR-related condition.

Allele frequency attached by ClinVar (database versions not stated): gnomAD 0.00003 and 0.00004; gnomAD exomes 0.00004; ExAC 0.00005; TOPMed 0.00005; ESP Exome Variant Server 0.00008.
gnomAD v4.1: 95 of 1,613,996 alleles (0.0059%); highest among the groups gnomAD compares: Non-Finnish European, 0.0076%; no homozygotes.

Submissions (7):

Women's Health and Genetics/Laboratory Corporation of America, LabCorp
Classification: Pathogenic for Congenital lipoid adrenal hyperplasia due to STAR deficency. Last evaluated: 2026-03-30. Review status: criteria provided, single submitter. Criteria: LabCorp Variant Classification Summary - May 2015. Collection method: clinical testing. Allele origin: germline.
Comment: Variant summary: STAR c.661G>A (p.Gly221Ser) results in a non-conservative amino acid change in the encoded protein sequence. Algorithms developed to predict the effect of missense changes on protein structure and function all suggest that this variant is likely to be disruptive. The variant allele was found at a frequency of 4e-05 in 251406 control chromosomes. This frequency is not significantly higher than estimated for disease-causing variants in STAR, allowing no conclusion about variant significance. c.661G>A has been reported in compound heterozygous individuals affected with Congenital Lipoid Adrenal Hyperplasia (Fluck_2011, Bae_2020, Zhang_2020, Buonocore_2021). In addition, this variant co-segregated with Congenital Lipoid Adrenal Hyperplasia in one family (Fluck_2011). These data indicate that the variant is likely to be associated with disease. At least two functional studies report this variant results in reducing enzyme activity compared to wild-type in vitro (Fluck_2011, Zhang_2020). Additionally, another variant (p.G221D) in the same residual was reported in patients and showed reactivity 6% of WT (Bae_2020, HGMD database), supporting the critical relevance of codon 221 to STAR protein function. The following publications have been ascertained in the context of this evaluation (PMID: 34258490, 32252217, 21647419, 30476142, 26827627, 31286101, 33227378). ClinVar contains an entry for this variant (Variation ID: 661662). Based on the evidence outlined above, the variant was classified as pathogenic.

Natera, Inc.
Classification: Pathogenic for Congenital lipoid adrenal hyperplasia. Last evaluated: 2025-10-10. Review status: criteria provided, single submitter. Criteria: Natera Variant Classification Schema (03/2026). Collection method: clinical testing. Allele origin: germline.
Comment: The c.661G>A variant in STAR is a missense variant predicted to cause substitution of glycine to serine at amino acid 221. This variant is rare in the general population with a frequency below the threshold expected for the associated phenotype(s). This variant has been observed in one or more individuals affected with the associated recessive disease, as either homozygous or compound heterozygous with a second variant (PMID: 40252005). Additionally, this variant has been observed to segregate in affected family members (PMID: 21647419). Functional studies show that this variant may disrupt protein function (PMID: 33227378). Computational prediction algorithms indicate this variant is likely to affect gene or protein function. Given the available evidence, this variant is classified as Pathogenic.

Fulgent Genetics
Classification: Likely pathogenic for Congenital lipoid adrenal hyperplasia due to STAR deficency. Last evaluated: 2024-06-06. Review status: criteria provided, single submitter. Criteria: ACMG Guidelines, 2015. Collection method: clinical testing. Allele origin: germline.

Labcorp Genetics (formerly Invitae), Labcorp
Classification: Pathogenic. Last evaluated: 2024-04-06. Review status: criteria provided, single submitter. Criteria: Invitae Variant Classification Sherloc (09022015). Collection method: clinical testing. Allele origin: germline.
Comment: This sequence change replaces glycine, which is neutral and non-polar, with serine, which is neutral and polar, at codon 221 of the STAR protein (p.Gly221Ser). This variant is present in population databases (rs139081695, gnomAD 0.009%). This missense change has been observed in individual(s) with STAR-related conditions (PMID: 21647419, 32252217). In at least one individual the data is consistent with being in trans (on the opposite chromosome) from a pathogenic variant. It has also been observed to segregate with disease in related individuals. ClinVar contains an entry for this variant (Variation ID: 661662). Advanced modeling of protein sequence and biophysical properties (such as structural, functional, and spatial information, amino acid conservation, physicochemical variation, residue mobility, and thermodynamic stability) has been performed at Invitae for this missense variant, however the output from this modeling did not meet the statistical confidence thresholds required to predict the impact of this variant on STAR protein function. Experimental studies have shown that this missense change affects STAR function (PMID: 21647419). This variant disrupts the p.Gly221 amino acid residue in STAR. Other variant(s) that disrupt this residue have been observed in individuals with STAR-related conditions (PMID: 20444910), which suggests that this may be a clinically significant amino acid residue. For these reasons, this variant has been classified as Pathogenic.

Revvity Omics, Revvity
Classification: Likely pathogenic for Congenital lipoid adrenal hyperplasia due to STAR deficency. Last evaluated: 2023-08-30. Review status: criteria provided, single submitter. Criteria: ACMG Guidelines, 2015. Collection method: clinical testing. Allele origin: germline.

Department of Pathology and Laboratory Medicine, Sinai Health System
Classification: Likely pathogenic for Congenital lipoid adrenal hyperplasia due to STAR deficency. Last evaluated: 2022-04-08. Review status: criteria provided, single submitter. Criteria: ACMG Guidelines, 2015. Collection method: research. Allele origin: germline.

Blueprint Genetics
Classification: Pathogenic for STAR-related disorders. Last evaluated: 2020-09-15. Review status: criteria provided, single submitter. Criteria: ACMG Guidelines, 2015. Collection method: clinical testing. Allele origin: germline. Affected: yes. Observed: 2 variant alleles.

Literature cited by the submitters: PubMed 34258490 (cited by Women's Health and Genetics/Laboratory Corporation of America, LabCorp); PubMed 32252217 (cited by Women's Health and Genetics/Laboratory Corporation of America, LabCorp and Labcorp Genetics (formerly Invitae), Labcorp); PubMed 21647419 (cited by 3 submitters); PubMed 30476142 (cited by Women's Health and Genetics/Laboratory Corporation of America, LabCorp); PubMed 26827627 (cited by Women's Health and Genetics/Laboratory Corporation of America, LabCorp); PubMed 31286101 (cited by Women's Health and Genetics/Laboratory Corporation of America, LabCorp); PubMed 33227378 (cited by Women's Health and Genetics/Laboratory Corporation of America, LabCorp and Natera, Inc.); PubMed 40252005 (cited by Natera, Inc.); PubMed 20444910 (cited by Labcorp Genetics (formerly Invitae), Labcorp).

NM_000349.3(STAR):c.661G>A (p.Gly221Ser)

Gene: STAR (steroidogenic acute regulatory protein; minus strand). Cytogenetic location: 8p11.23.
Variant type: single nucleotide variant.
Coding change: c.661G>A on transcript NM_000349.3 (MANE Select); coding-DNA position 661, G replaced by A.
Protein change: p.Gly221Ser; replaces glycine 221 with serine.
Molecular consequence: missense variant.
Genome position (GRCh38, 1-based): chr8:38,145,305, C>T on the plus strand (G>A on the coding strand, the complement: STAR is on the minus strand). VCF-style: chr8-38145305-C-T. GRCh37 (hg19) VCF-style: chr8-38002823-C-T.
Other names: short protein forms G221S.
Identifiers: ClinVar variation 661662 (VCV000661662.19), dbSNP rs139081695, ClinGen allele CA4715172.
Genomic context (GRCh38, chr8:38,145,305, plus strand): 5'-ACGTAAGTTTGGTCTTAGAGGGACTTCCAGCCAACGGGTGAAGCACCATGCAAGTGGGAC[C>T]GTGCTCCGCCCTGGCAAATGGAGAAGTCAAGTCAGGAGGACAGTTGCGAGTTCTCTCTTG-3'
Protein context (NP_000340.2, residues 211-231): EQKGVIRAEH[Gly221Ser]PTCMVLHPLA